The following is an entry in ClinVar:

ClinVar aggregate classification (germline): Uncertain significance (1 of 4 stars; one submission).

Allele frequency attached by ClinVar (database versions not stated): gnomAD 0.00001; gnomAD exomes 0.00001; 1000 Genomes Project 30x 0.00016.
gnomAD v4.1: 6 of 1,614,058 alleles (0.00037%); highest among the groups gnomAD compares: South Asian, 0.0011%; no homozygotes.

Submission:

Labcorp Genetics (formerly Invitae), Labcorp
Classification: Uncertain significance. Last evaluated: 2023-10-17. Review status: criteria provided, single submitter. Criteria: Invitae Variant Classification Sherloc (09022015). Collection method: clinical testing. Allele origin: germline.
Comment: This sequence change replaces arginine, which is basic and polar, with tryptophan, which is neutral and slightly polar, at codon 681 of the JAK1 protein (p.Arg681Trp). This variant is not present in population databases (gnomAD no frequency). This variant has not been reported in the literature in individuals affected with JAK1-related conditions. Advanced modeling of protein sequence and biophysical properties (such as structural, functional, and spatial information, amino acid conservation, physicochemical variation, residue mobility, and thermodynamic stability) performed at Invitae indicates that this missense variant is expected to disrupt JAK1 protein function. In summary, the available evidence is currently insufficient to determine the role of this variant in disease. Therefore, it has been classified as a Variant of Uncertain Significance.

NM_002227.4(JAK1):c.2041C>T (p.Arg681Trp)

Gene: JAK1 (Janus kinase 1; minus strand). Cytogenetic location: 1p31.3.
Variant type: single nucleotide variant.
Coding change: c.2041C>T on transcript NM_002227.4 (MANE Select); coding-DNA position 2041, C replaced by T.
Protein change: p.Arg681Trp; replaces arginine 681 with tryptophan.
Molecular consequence: missense variant.
Genome position (GRCh38, 1-based): chr1:64,845,587, G>A on the plus strand (C>T on the coding strand, the complement: JAK1 is on the minus strand). VCF-style: chr1-64845587-G-A. GRCh37 (hg19) VCF-style: chr1-65311270-G-A.
Other names: c.2041C>T, p.Arg681Trp (NM_001320923.2, NM_001321852.2, NM_001321853.2 and 3 more transcripts); c.2038C>T, p.Arg680Trp (NM_001321857.2); short protein forms R680W, R681W.
Identifiers: ClinVar variation 2748826 (VCV002748826.3), dbSNP rs2101001369, ClinGen allele CA340667583.